The following is an entry in ClinVar:

ClinVar aggregate classification (germline): Benign. Review status: criteria provided, multiple submitters, no conflicts (2 of 4 stars). 3 submissions from 3 submitters: Benign (3). Last evaluated 2026-01-27.

Allele frequency attached by ClinVar (database versions not stated): ExAC 0.27257; TOPMed 0.30504; 1000 Genomes Project 0.40036; 1000 Genomes Project 30x 0.40100; gnomAD exomes 0.20792 and 0.26665; gnomAD 0.29224 and 0.29500; ESP Exome Variant Server 0.26391.
gnomAD v4.1: 336,609 of 1,551,184 alleles (22%); highest among the groups gnomAD compares: East Asian, 62%; 44,475 homozygotes.

Submissions (3):

Labcorp Genetics (formerly Invitae), Labcorp
Classification: Benign. Last evaluated: 2026-01-27. Review status: criteria provided, single submitter. Criteria: Invitae Variant Classification Sherloc (09022015). Collection method: clinical testing. Allele origin: germline.

GeneDx
Classification: Benign. Last evaluated: 2018-03-24. Review status: criteria provided, single submitter. Criteria: GeneDx Variant Classification (06012015). Collection method: clinical testing. Allele origin: germline. Affected: yes.
Comment: This variant is considered likely benign or benign based on one or more of the following criteria: it is a conservative change, it occurs at a poorly conserved position in the protein, it is predicted to be benign by multiple in silico algorithms, and/or has population frequency not consistent with disease.

Breakthrough Genomics
Classification: Benign. Review status: criteria provided, single submitter. Criteria: ACMG Guidelines, 2015. Collection method: not provided. Allele origin: germline. Inheritance: Unknown mechanism. Affected: yes.

NM_001291088.2(WDR87):c.6204C>T (p.Ser2068=)

Gene: WDR87 (WD repeat domain 87; minus strand). Cytogenetic location: 19q13.13.
Variant type: single nucleotide variant.
Coding change: c.6204C>T on transcript NM_001291088.2 (MANE Select); coding-DNA position 6204, C replaced by T.
Protein change: p.Ser2068=; no amino-acid change (serine 2068 retained).
Molecular consequence: synonymous variant.
Genome position (GRCh38, 1-based): chr19:37,887,467, G>A on the plus strand (C>T on the coding strand, the complement: WDR87 is on the minus strand). VCF-style: chr19-37887467-G-A. GRCh37 (hg19) VCF-style: chr19-38378107-G-A.
Other names: c.6087C>T, p.Ser2029= (NM_031951.5).
Identifiers: ClinVar variation 677288 (VCV000677288.10), dbSNP rs60704260, ClinGen allele CA9408525.